The following is an entry in ClinVar:

ClinVar aggregate classification (germline): Pathogenic (1 of 4 stars; one submission).

Submission:

Labcorp Genetics (formerly Invitae), Labcorp
Classification: Pathogenic. Last evaluated: 2024-01-25. Review status: criteria provided, single submitter. Criteria: Invitae Variant Classification Sherloc (09022015). Collection method: clinical testing. Allele origin: germline.
Comment: This sequence change creates a premature translational stop signal (p.Cys343*) in the LAMB3 gene. It is expected to result in an absent or disrupted protein product. Loss-of-function variants in LAMB3 are known to be pathogenic (PMID: 11023379, 16473856). This variant is not present in population databases (gnomAD no frequency). This variant has not been reported in the literature in individuals affected with LAMB3-related conditions. For these reasons, this variant has been classified as Pathogenic.

Literature cited by the submitters: PubMed 11023379; PubMed 16473856.

NM_000228.3(LAMB3):c.1029_1030del (p.Cys343_Asp344delinsTer)

Gene: LAMB3 (laminin subunit beta 3; minus strand). Cytogenetic location: 1q32.2.
Variant type: Microsatellite.
Coding change: c.1029_1030del on transcript NM_000228.3 (MANE Select); coding-DNA positions 1029 to 1030, 2 bases deleted (TG; older notation c.1029_1030delTG).
Protein change: p.Cys343_Asp344delinsTer.
Molecular consequence: nonsense.
Genome position (GRCh38, 1-based): chr1:209,629,839-209,629,840, CA deleted on the plus strand (TG on the coding strand, the reverse complement: LAMB3 is on the minus strand); deleting any 2 consecutive bases within chr1:209,629,839-209,629,847 gives the same sequence; the c. name uses the placement nearest the transcript's 3' end. VCF-style (leftmost placement, unchanged base first): chr1-209629838-TCA-T. GRCh37 (hg19) VCF-style: chr1-209803183-TCA-T.
Other names: c.1029_1030del, p.Cys343_Asp344delinsTer (NM_001017402.2, NM_001127641.1).
Identifiers: ClinVar variation 2711227 (VCV002711227.3), dbSNP rs1057517290, ClinGen allele CA2697554893.